The following is an entry in ClinVar:

ClinVar aggregate classification (germline): Conflicting classifications of pathogenicity. Review status: criteria provided, conflicting classifications (1 of 4 stars). 2 submissions from 2 submitters: Uncertain significance (1); Likely benign (1). Last evaluated 2024-08-05.

Allele frequency attached by ClinVar (database versions not stated): gnomAD 0.00003 and 0.00004; TOPMed 0.00004; gnomAD exomes 0.00008; ExAC 0.00010; ESP Exome Variant Server 0.00015.
gnomAD v4.1: 89 of 1,613,872 alleles (0.0055%); highest among the groups gnomAD compares: Admixed American, 0.025%; no homozygotes.

Submissions (2):

Ambry Genetics
Classification: Likely benign. Last evaluated: 2024-08-05. Review status: criteria provided, single submitter. Criteria: Ambry Variant Classification Scheme 2023. Collection method: clinical testing. Allele origin: germline.

Labcorp Genetics (formerly Invitae), Labcorp
Classification: Uncertain significance. Last evaluated: 2021-04-10. Review status: criteria provided, single submitter. Criteria: Invitae Variant Classification Sherloc (09022015). Collection method: clinical testing. Allele origin: germline.
Comment: This variant is present in population databases (rs376117349, ExAC 0.03%). In summary, the available evidence is currently insufficient to determine the role of this variant in disease. Therefore, it has been classified as a Variant of Uncertain Significance. Algorithms developed to predict the effect of missense changes on protein structure and function output the following: SIFT: "Tolerated"; PolyPhen-2: "Benign"; Align-GVGD: "Class C0". The histidine amino acid residue is found in multiple mammalian species, suggesting that this missense change does not adversely affect protein function. These predictions have not been confirmed by published functional studies and their clinical significance is uncertain. This variant has not been reported in the literature in individuals with LIPC-related conditions. This sequence change replaces arginine with histidine at codon 444 of the LIPC protein (p.Arg444His). The arginine residue is weakly conserved and there is a small physicochemical difference between arginine and histidine.

NM_000236.3(LIPC):c.1331G>A (p.Arg444His)

Gene: LIPC (lipase C, hepatic type; plus strand). Cytogenetic location: 15q21.3.
Variant type: single nucleotide variant.
Coding change: c.1331G>A on transcript NM_000236.3 (MANE Select); coding-DNA position 1331, G replaced by A.
Protein change: p.Arg444His; replaces arginine 444 with histidine.
Molecular consequence: missense variant.
Genome position (GRCh38, 1-based): chr15:58,563,666, G>A. VCF-style: chr15-58563666-G-A. GRCh37 (hg19) VCF-style: chr15-58855865-G-A.
Other names: c.1331G>A (NM_000236.2); short protein forms R444H.
Identifiers: ClinVar variation 1498967 (VCV001498967.9), dbSNP rs376117349, ClinGen allele CA7585200.